The following is an entry in ClinVar:

ClinVar aggregate classification (germline): Uncertain significance (1 of 4 stars; one submission).

Allele frequency attached by ClinVar (database versions not stated): gnomAD 0.00001; gnomAD exomes 0.00001; TOPMed 0.00001; ExAC 0.00003.

Submission:

Labcorp Genetics (formerly Invitae), Labcorp
Classification: Uncertain significance. Last evaluated: 2025-10-03. Review status: criteria provided, single submitter. Criteria: Invitae Variant Classification Sherloc (09022015). Collection method: clinical testing. Allele origin: germline.
Comment: This sequence change replaces valine, which is neutral and non-polar, with isoleucine, which is neutral and non-polar, at codon 129 of the GNA11 protein (p.Val129Ile). This variant is present in population databases (rs780718032, gnomAD 0.005%). This variant has not been reported in the literature in individuals affected with GNA11-related conditions. ClinVar contains an entry for this variant (Variation ID: 2416111). Invitae Evidence Modeling of protein sequence and biophysical properties (such as structural, functional, and spatial information, amino acid conservation, physicochemical variation, residue mobility, and thermodynamic stability) indicates that this missense variant is not expected to disrupt GNA11 protein function with a negative predictive value of 80%. In summary, the available evidence is currently insufficient to determine the role of this variant in disease. Therefore, it has been classified as a Variant of Uncertain Significance.

NM_002067.5(GNA11):c.385G>A (p.Val129Ile)

Gene: GNA11 (G protein subunit alpha 11; plus strand). Cytogenetic location: 19p13.3.
Variant type: single nucleotide variant.
Coding change: c.385G>A on transcript NM_002067.5 (MANE Select); coding-DNA position 385, G replaced by A.
Protein change: p.Val129Ile; replaces valine 129 with isoleucine.
Molecular consequence: missense variant.
Genome position (GRCh38, 1-based): chr19:3,113,393, G>A. VCF-style: chr19-3113393-G-A. GRCh37 (hg19) VCF-style: chr19-3113391-G-A.
Other names: short protein forms V129I.
Identifiers: ClinVar variation 2416111 (VCV002416111.5), dbSNP rs780718032, ClinGen allele CA9074833.